The following is an entry in ClinVar:

NM_002317.7(LOX):c.215C>G (p.Pro72Arg)

Genes: LOX (lysyl oxidase; minus strand), SRFBP1 (serum response factor binding protein 1; plus strand). Cytogenetic location: 5q23.1.
Variant type: single nucleotide variant.
Coding change: c.215C>G on transcript NM_002317.7 (MANE Select); coding-DNA position 215, C replaced by G.
Protein change: p.Pro72Arg; replaces proline 72 with arginine.
Molecular consequence: missense variant.
Genome position (GRCh38, 1-based): chr5:122,077,771, G>C on the plus strand (C>G on the coding strand, the complement: LOX is on the minus strand). VCF-style: chr5-122077771-G-C. GRCh37 (hg19) VCF-style: chr5-121413466-G-C.
Other names: c.215C>G (NM_002317.5); short protein forms P72R.
Identifiers: ClinVar variation 1461714 (VCV001461714.10), dbSNP rs754947607, ClinGen allele CA3384100.

ClinVar aggregate classification (germline): Uncertain significance. Review status: criteria provided, multiple submitters, no conflicts (2 of 4 stars). 3 submissions from 3 submitters: Uncertain significance (3). Last evaluated 2025-10-22.

Conditions:
Cardiovascular phenotype. Identifiers: MedGen CN230736.

Allele frequency attached by ClinVar (database versions not stated): gnomAD exomes 0.00001 and 0.00002; gnomAD 0.00002; TOPMed 0.00003.
gnomAD v4.1: 15 of 1,549,130 alleles (0.00097%); highest among the groups gnomAD compares: East Asian, 0.017%; no homozygotes.

Submissions (3):

Labcorp Genetics (formerly Invitae), Labcorp
Classification: Uncertain significance. Last evaluated: 2025-10-22. Review status: criteria provided, single submitter. Criteria: Invitae Variant Classification Sherloc (09022015). Collection method: clinical testing. Allele origin: germline.
Comment: This sequence change replaces proline, which is neutral and non-polar, with arginine, which is basic and polar, at codon 72 of the LOX protein (p.Pro72Arg). This variant is present in population databases (rs754947607, gnomAD 0.008%). This variant has not been reported in the literature in individuals affected with LOX-related conditions. ClinVar contains an entry for this variant (Variation ID: 1461714). Invitae Evidence Modeling of protein sequence and biophysical properties (such as structural, functional, and spatial information, amino acid conservation, physicochemical variation, residue mobility, and thermodynamic stability) indicates that this missense variant is not expected to disrupt LOX protein function with a negative predictive value of 95%. In summary, the available evidence is currently insufficient to determine the role of this variant in disease. Therefore, it has been classified as a Variant of Uncertain Significance.

Women's Health and Genetics/Laboratory Corporation of America, LabCorp
Classification: Uncertain significance. Last evaluated: 2024-05-06. Review status: criteria provided, single submitter. Criteria: LabCorp Variant Classification Summary - May 2015. Collection method: clinical testing. Allele origin: germline.

Ambry Genetics
Classification: Uncertain significance for Cardiovascular phenotype. Last evaluated: 2023-06-17. Review status: criteria provided, single submitter. Criteria: Ambry Variant Classification Scheme 2023. Collection method: clinical testing. Allele origin: germline.
Comment: The p.P72R variant (also known as c.215C>G), located in coding exon 1 of the LOX gene, results from a C to G substitution at nucleotide position 215. The proline at codon 72 is replaced by arginine, an amino acid with dissimilar properties. This amino acid position is conserved. In addition, this alteration is predicted to be tolerated by in silico analysis. Since supporting evidence is limited at this time, the clinical significance of this alteration remains unclear.